The following is an entry in ClinVar:

ClinVar aggregate classification (germline): Uncertain significance (1 of 4 stars; one submission).

Submission:

GeneDx
Classification: Uncertain significance. Last evaluated: 2026-02-07. Review status: criteria provided, single submitter. Criteria: GeneDx Variant Classification Process June 2021. Collection method: clinical testing. Allele origin: germline.
Comment: Not observed at significant frequency in large population cohorts (gnomAD); In silico analysis supports that this missense variant has a deleterious effect on protein structure/function; Has not been previously published as pathogenic or benign to our knowledge

NM_139318.5(KCNH5):c.1468G>A (p.Asp490Asn)

Gene: KCNH5 (potassium voltage-gated channel subfamily H member 5; minus strand). Cytogenetic location: 14q23.2.
Variant type: single nucleotide variant.
Coding change: c.1468G>A on transcript NM_139318.5 (MANE Select); coding-DNA position 1468, G replaced by A.
Protein change: p.Asp490Asn; replaces aspartic acid 490 with asparagine.
Molecular consequence: missense variant.
Genome position (GRCh38, 1-based): chr14:62,849,754, C>T on the plus strand (G>A on the coding strand, the complement: KCNH5 is on the minus strand). VCF-style: chr14-62849754-C-T. GRCh37 (hg19) VCF-style: chr14-63316472-C-T.
Other names: c.1468G>A, p.Asp490Asn (NM_172375.3); short protein forms D490N.
Identifiers: ClinVar variation 4976411 (VCV004976411.1).